The following is an entry in ClinVar:

NM_152274.5(CCNQ):c.476A>G (p.His159Arg)

Gene: CCNQ (cyclin Q; minus strand). Cytogenetic location: Xq28.
Variant type: single nucleotide variant.
Coding change: c.476A>G on transcript NM_152274.5 (MANE Select); coding-DNA position 476, A replaced by G.
Protein change: p.His159Arg; replaces histidine 159 with arginine.
Molecular consequence: missense variant.
Genome position (GRCh38, 1-based): chrX:153,592,687, T>C on the plus strand (A>G on the coding strand, the complement: CCNQ is on the minus strand). VCF-style: chrX-153592687-T-C. GRCh37 (hg19) VCF-style: chrX-152858145-T-C.
Other names: c.476A>G, p.His159Arg (NM_001130997.3); short protein forms H159R.
Identifiers: ClinVar variation 4718429 (VCV004718429.1).

ClinVar aggregate classification (germline): Uncertain significance (1 of 4 stars; one submission).

gnomAD v4.1: 1 of 1,211,232 alleles (0.000083%); highest among the groups gnomAD compares: Non-Finnish European, 0.00011%; no homozygotes.

Submission:

Labcorp Genetics (formerly Invitae), Labcorp
Classification: Uncertain significance. Last evaluated: 2025-05-09. Review status: criteria provided, single submitter. Criteria: Invitae Variant Classification Sherloc (09022015). Collection method: clinical testing. Allele origin: germline.
Comment: This sequence change replaces histidine, which is basic and polar, with arginine, which is basic and polar, at codon 159 of the CCNQ protein (p.His159Arg). This variant is not present in population databases (gnomAD no frequency). This variant has not been reported in the literature in individuals affected with CCNQ-related conditions. Experimental studies and prediction algorithms are not available or were not evaluated, and the functional significance of this variant is currently unknown. In summary, the available evidence is currently insufficient to determine the role of this variant in disease. Therefore, it has been classified as a Variant of Uncertain Significance.